The following is an entry in ClinVar:

NM_201384.3(PLEC):c.6514A>C (p.Lys2172Gln)

Gene: PLEC (plectin; minus strand). Cytogenetic location: 8q24.3.
Variant type: single nucleotide variant.
Coding change: c.6514A>C on transcript NM_201384.3 (MANE Select); coding-DNA position 6514, A replaced by C.
Protein change: p.Lys2172Gln; replaces lysine 2172 with glutamine.
Molecular consequence: missense variant.
Genome position (GRCh38, 1-based): chr8:143,923,415, T>G on the plus strand (A>C on the coding strand, the complement: PLEC is on the minus strand). VCF-style: chr8-143923415-T-G. GRCh37 (hg19) VCF-style: chr8-144997583-T-G.
Other names: c.6595A>C, p.Lys2199Gln (NM_000445.5); c.6472A>C, p.Lys2158Gln (NM_201378.4); c.6448A>C, p.Lys2150Gln (NM_201379.3); c.6925A>C, p.Lys2309Gln (NM_201380.4); c.6418A>C, p.Lys2140Gln (NM_201381.3); c.6514A>C, p.Lys2172Gln (NM_201382.4); c.6526A>C, p.Lys2176Gln (NM_201383.3); c.6595A>C (NM_000445.3); short protein forms K2150Q, K2158Q, K2176Q, K2172Q, K2309Q, K2199Q, K2140Q.
Identifiers: ClinVar variation 2189481 (VCV002189481.5), dbSNP rs1362902646, ClinGen allele CA372533647.

ClinVar aggregate classification (germline): Uncertain significance. Review status: criteria provided, multiple submitters, no conflicts (2 of 4 stars). 2 submissions from 2 submitters: Uncertain significance (2). Last evaluated 2025-04-13.

Conditions:
Epidermolysis bullosa simplex with nail dystrophy (EBS5D). Identifiers: MedGen C4225309, MONDO:0014661, OMIM 616487.
Epidermolysis bullosa simplex 5B, with muscular dystrophy (EBS5B). Also called: EPIDERMOLYSIS BULLOSA SIMPLEX AND LIMB-GIRDLE MUSCULAR DYSTROPHY; Epidermolysis bullosa simplex with muscular dystrophy. Identifiers: Orphanet 257, MedGen C2931072, MONDO:0009181, OMIM 226670.
Epidermolysis bullosa simplex, Ogna type (EBS5A). Also called: Pidermolysis bullosa simplex 5A, Ogna type; EPIDERMOLYSIS BULLOSA SIMPLEX 5A, OGNA TYPE. Identifiers: Orphanet 79401, MedGen C0432317, MONDO:0007555, OMIM 131950.
Epidermolysis bullosa simplex 5C, with pyloric atresia (EBS5C). Also called: Epidermolysis bullosa simplex with pyloric atresia; PLEC-Related Epidermolysis Bullosa with Pyloric Atresia; PLEC1-Related Epidermolysis Bullosa with Pyloric Atresia. Identifiers: Orphanet 158684, MedGen C2677349, MONDO:0012807, OMIM 612138.
Autosomal recessive limb-girdle muscular dystrophy type 2Q (LGMDR17). Also called: MUSCULAR DYSTROPHY, LIMB-GIRDLE, AUTOSOMAL RECESSIVE 17. Identifiers: Orphanet 254361, MedGen C3150989, MONDO:0013390, OMIM 613723.
Inborn genetic diseases. Identifiers: MedGen C0950123, MeSH D030342.

Allele frequency attached by ClinVar (database versions not stated): gnomAD exomes below 0.00001; TOPMed below 0.00001.

Submissions (2):

Ambry Genetics
Classification: Uncertain significance for Inborn genetic diseases. Last evaluated: 2025-04-13. Review status: criteria provided, single submitter. Criteria: Ambry Variant Classification Scheme 2023. Collection method: clinical testing. Allele origin: germline.

Labcorp Genetics (formerly Invitae), Labcorp
Classification: Uncertain significance for Autosomal recessive limb-girdle muscular dystrophy type 2Q; Epidermolysis bullosa simplex, Ogna type; Epidermolysis bullosa simplex with nail dystrophy; Epidermolysis bullosa simplex 5C, with pyloric atresia; Epidermolysis bullosa simplex 5B, with muscular dystrophy. Last evaluated: 2022-12-18. Review status: criteria provided, single submitter. Criteria: Invitae Variant Classification Sherloc (09022015). Collection method: clinical testing. Allele origin: germline.
Comment: This sequence change replaces lysine, which is basic and polar, with glutamine, which is neutral and polar, at codon 2199 of the PLEC protein (p.Lys2199Gln). This variant is present in population databases (no rsID available, gnomAD 0.003%). This variant has not been reported in the literature in individuals affected with PLEC-related conditions. Algorithms developed to predict the effect of missense changes on protein structure and function output the following: SIFT: "Tolerated"; PolyPhen-2: "Benign"; Align-GVGD: "Class C0". The glutamine amino acid residue is found in multiple mammalian species, which suggests that this missense change does not adversely affect protein function. In summary, the available evidence is currently insufficient to determine the role of this variant in disease. Therefore, it has been classified as a Variant of Uncertain Significance.